The following is an entry in ClinVar:

ClinVar aggregate classification (germline): Uncertain significance (1 of 4 stars; one submission).

Submission:

GeneDx
Classification: Uncertain significance. Last evaluated: 2023-06-14. Review status: criteria provided, single submitter. Criteria: GeneDx Variant Classification Process June 2021. Collection method: clinical testing. Allele origin: germline. Affected: yes.
Comment: Canonical splice site variant in a gene or region of a gene for which loss of function is not a well-established mechanism of disease; Not observed at significant frequency in large population cohorts (gnomAD); Has not been previously published as pathogenic or benign to our knowledge

NM_031407.7(HUWE1):c.4615-2A>C

Gene: HUWE1 (HECT, UBA and WWE domain containing E3 ubiquitin protein ligase 1; minus strand). Cytogenetic location: Xp11.22.
Variant type: single nucleotide variant.
Coding change: c.4615-2A>C on transcript NM_031407.7 (MANE Select); the canonical splice acceptor site of the intron before coding-DNA position 4615, A replaced by C.
Molecular consequence: splice acceptor variant.
Genome position (GRCh38, 1-based): chrX:53,586,911, T>G on the plus strand (A>C on the coding strand, the complement: HUWE1 is on the minus strand). VCF-style: chrX-53586911-T-G. GRCh37 (hg19) VCF-style: chrX-53613871-T-G.
Identifiers: ClinVar variation 3359800 (VCV003359800.1).
Genomic context (GRCh38, chrX:53,586,911, plus strand): 5'-ATTAGGACATTAAGGATGCCACTTGATTCAACCACCCAAGCACAAGGTAGCTTCAACTCC[T>G]GATAGATCAAAGGGAAAAAACAACAACAACCAGATACCAATTTCTACTCAGTAACAAAGA-3'